The following is an entry in ClinVar:

ClinVar aggregate classification (germline): Benign (0 of 4 stars; one submission).

Conditions:
Legius syndrome. Identifiers: Orphanet 137605, MedGen C1969623, MONDO:0012669, OMIM 611431. Disease mechanism: loss of function.

Allele frequency attached by ClinVar (database versions not stated): ESP Exome Variant Server 0.17454; gnomAD 0.17554 and 0.17985; gnomAD exomes 0.13469 and 0.11150; 1000 Genomes Project 0.20068; ExAC 0.13630; TOPMed 0.19459; 1000 Genomes Project 30x 0.20253.

Submission:

GeneReviews
Classification: Benign for Legius Syndrome. Last evaluated: 2010-10-14. Review status: no assertion criteria provided. Collection method: curation. Allele origin: unknown.
ClinVar note: Converted during submission from benign to Benign.

NM_152594.3(SPRED1):c.424-8=

Gene: SPRED1 (sprouty related EVH1 domain containing 1; plus strand). Cytogenetic location: 15q14.
Variant type: single nucleotide variant.
Coding change: c.424-8= on transcript NM_152594.3 (MANE Select); 8 bases into the intron before coding-DNA position 424, no change from the reference sequence.
Molecular consequence: intron variant.
Genome position: GRCh38 VCF-style: chr15-38339729-C-C. GRCh37 (hg19) VCF-style: chr15-38631930-C-C.
Identifiers: ClinVar variation 41372 (VCV000041372.4), dbSNP rs7180446.
Genomic context (GRCh38, chr15:38,339,729, plus strand): 5'-GTATCTTATTTTGTGGTGGTGGTGGTTTTTATTCTGGCAACTAATGCATTGAGGGTTGTT[C=]CCAATAGGCAAATGAAGAGGATTCTTCCAGTTCTCTAGTGAAGGATCACCTTTTTCAGCA-3'